The following is an entry in ClinVar:

ClinVar aggregate classification (germline): Uncertain significance (1 of 4 stars; one submission).

gnomAD v4.1: 1 of 1,613,990 alleles (0.000062%); highest among the groups gnomAD compares: Non-Finnish European, 0.000085%; no homozygotes.

Submission:

Labcorp Genetics (formerly Invitae), Labcorp
Classification: Uncertain significance. Last evaluated: 2025-03-08. Review status: criteria provided, single submitter. Criteria: Invitae Variant Classification Sherloc (09022015). Collection method: clinical testing. Allele origin: germline.
Comment: This sequence change replaces alanine, which is neutral and non-polar, with valine, which is neutral and non-polar, at codon 470 of the CHD8 protein (p.Ala470Val). This variant is not present in population databases (gnomAD no frequency). This variant has not been reported in the literature in individuals affected with CHD8-related conditions. Invitae Evidence Modeling of protein sequence and biophysical properties (such as structural, functional, and spatial information, amino acid conservation, physicochemical variation, residue mobility, and thermodynamic stability) indicates that this missense variant is not expected to disrupt CHD8 protein function with a negative predictive value of 95%. In summary, the available evidence is currently insufficient to determine the role of this variant in disease. Therefore, it has been classified as a Variant of Uncertain Significance.

NM_001170629.2(CHD8):c.1409C>T (p.Ala470Val)

Gene: CHD8 (chromodomain helicase DNA binding protein 8; minus strand). Cytogenetic location: 14q11.2.
Variant type: single nucleotide variant.
Coding change: c.1409C>T on transcript NM_001170629.2 (MANE Select); coding-DNA position 1409, C replaced by T.
Protein change: p.Ala470Val; replaces alanine 470 with valine.
Molecular consequence: missense variant.
Genome position (GRCh38, 1-based): chr14:21,428,061, G>A on the plus strand (C>T on the coding strand, the complement: CHD8 is on the minus strand). VCF-style: chr14-21428061-G-A. GRCh37 (hg19) VCF-style: chr14-21896220-G-A.
Other names: c.572C>T, p.Ala191Val (NM_020920.4); short protein forms A470V, A191V.
Identifiers: ClinVar variation 4746954 (VCV004746954.1).
Genomic context (GRCh38, chr14:21,428,061, plus strand): 5'-GGCAACTCGTCCTCATTTAAGACTCGAGGTATGTTCTGCTCACCGCGGGCACGGGCTCTC[G>A]CAATGGCCTCTGCTACAATCCGATTTGCTTTCTCTTGCTTCTTCTGGTGTTCCAATCTGC-3'
Protein context (NP_001164100.1, residues 460-480): KANRIVAEAI[Ala470Val]RARARGEQNI